The following is an entry in ClinVar:

NC_000023.11:g.18650476A>G

Genes: CDKL5 (cyclin dependent kinase like 5; plus strand), RS1 (retinoschisin 1; minus strand). Cytogenetic location: Xp22.13.
Variant type: single nucleotide variant.
Molecular consequence: intron variant (on NM_000330.4). On other transcripts: missense variant (2).
Genome position: GRCh38 VCF-style: chrX-18650476-A-G. GRCh37 (hg19) VCF-style: chrX-18668596-A-G.
Other names: c.2864A>G, p.His955Arg (NM_001037343.2, NM_003159.3); c.185-3144T>C (NM_000330.4); short protein forms H955R.
Identifiers: ClinVar variation 4789427 (VCV004789427.1).

ClinVar aggregate classification (germline): Uncertain significance (1 of 4 stars; one submission).

Conditions:
Developmental and epileptic encephalopathy, 2 (DEE2). Also called: INFANTILE SPASM SYNDROME, X-LINKED 2; CDKL5 deficiency disorder. Identifiers: Orphanet 1934, Orphanet 3451, Orphanet 505652, MedGen C4750718, MONDO:0010396, OMIM 300672.
Angelman syndrome-like. Identifiers: MedGen CN128785.

gnomAD v4.1: 2 of 1,210,164 alleles (0.00017%); highest among the groups gnomAD compares: South Asian, 0.0018%; no homozygotes.

Submission:

Labcorp Genetics (formerly Invitae), Labcorp
Classification: Uncertain significance for Developmental and epileptic encephalopathy, 2; Angelman syndrome-like. Last evaluated: 2025-09-23. Review status: criteria provided, single submitter. Criteria: Invitae Variant Classification Sherloc (09022015). Collection method: clinical testing. Allele origin: germline.
Comment: This sequence change replaces histidine, which is basic and polar, with arginine, which is basic and polar, at codon 955 of the CDKL5 protein (p.His955Arg). This variant is not present in population databases (gnomAD no frequency). This variant has not been reported in the literature in individuals affected with CDKL5-related conditions. Invitae Evidence Modeling of protein sequence and biophysical properties (such as structural, functional, and spatial information, amino acid conservation, physicochemical variation, residue mobility, and thermodynamic stability) indicates that this missense variant is not expected to disrupt CDKL5 protein function with a negative predictive value of 95%. In summary, the available evidence is currently insufficient to determine the role of this variant in disease. Therefore, it has been classified as a Variant of Uncertain Significance.